The following is an entry in ClinVar:

ClinVar aggregate classification (germline): Pathogenic (1 of 4 stars; one submission).

Conditions:
Ethylmalonic encephalopathy (EE). Also called: EPEMA syndrome; Encephalopathy, petechiae, and ethylmalonic aciduria; Syndrome of encephalopathy, petechiae, and ethylmalonic aciduria. Identifiers: Orphanet 51188, MedGen C1865349, MONDO:0011229, OMIM 602473. Disease mechanism: loss of function.

Allele frequency attached by ClinVar (database versions not stated): TOPMed below 0.00001; gnomAD 0.00001.

Submission:

Labcorp Genetics (formerly Invitae), Labcorp
Classification: Pathogenic for Ethylmalonic encephalopathy. Last evaluated: 2024-01-21. Review status: criteria provided, single submitter. Criteria: Invitae Variant Classification Sherloc (09022015). Collection method: clinical testing. Allele origin: germline.
Comment: This sequence change creates a premature translational stop signal (p.Gly134Alafs*12) in the ETHE1 gene. It is expected to result in an absent or disrupted protein product. Loss-of-function variants in ETHE1 are known to be pathogenic (PMID: 14732903, 19136963). This variant is not present in population databases (gnomAD no frequency). This variant has not been reported in the literature in individuals affected with ETHE1-related conditions. For these reasons, this variant has been classified as Pathogenic.

Literature cited by the submitters: PubMed 14732903; PubMed 19136963.

NM_014297.5(ETHE1):c.401_402del (p.Gly134fs)

Gene: ETHE1 (ETHE1 persulfide dioxygenase; minus strand). Cytogenetic location: 19q13.31.
Variant type: Deletion.
Coding change: c.401_402del on transcript NM_014297.5 (MANE Select); coding-DNA positions 401 to 402, 2 bases deleted (GC; older notation c.401_402delGC).
Protein change: p.Gly134fs; shifts the reading frame from glycine 134.
Molecular consequence: frameshift variant.
Genome position (GRCh38, 1-based): chr19:43,511,540-43,511,541, GC deleted on the plus strand (GC on the coding strand, the reverse complement: ETHE1 is on the minus strand). VCF-style (leftmost placement, unchanged base first): chr19-43511539-GGC-G. GRCh37 (hg19) VCF-style: chr19-44015691-GGC-G.
Other names: c.368_369del, p.Gly123fs (NM_001320867.2); c.32_33del, p.Gly11fs (NM_001320868.2); c.107_108del, p.Gly36fs (NM_001320869.2); short protein forms G11fs, G123fs, G134fs, G36fs.
Identifiers: ClinVar variation 2710594 (VCV002710594.3), dbSNP rs1210404401, ClinGen allele CA882550113.